The following is an entry in ClinVar:

ClinVar aggregate classification (germline): Likely pathogenic (1 of 4 stars; one submission).

Submission:

Labcorp Genetics (formerly Invitae), Labcorp
Classification: Likely pathogenic. Last evaluated: 2023-03-23. Review status: criteria provided, single submitter. Criteria: Invitae Variant Classification Sherloc (09022015). Collection method: clinical testing. Allele origin: germline.
Comment: This variant is not present in population databases (gnomAD no frequency). This missense change has been observed in individual(s) with X-linked hypophosphatemia (Invitae). ClinVar contains an entry for this variant (Variation ID: 1018406). Advanced modeling of protein sequence and biophysical properties (such as structural, functional, and spatial information, amino acid conservation, physicochemical variation, residue mobility, and thermodynamic stability) performed at Invitae indicates that this missense variant is expected to disrupt PHEX protein function. This variant disrupts the p.Ala689 amino acid residue in PHEX. Other variant(s) that disrupt this residue have been observed in individuals with PHEX-related conditions (PMID: 22101457; Invitae), which suggests that this may be a clinically significant amino acid residue. In summary, the currently available evidence indicates that the variant is pathogenic, but additional data are needed to prove that conclusively. Therefore, this variant has been classified as Likely Pathogenic. This sequence change replaces alanine, which is neutral and non-polar, with proline, which is neutral and non-polar, at codon 689 of the PHEX protein (p.Ala689Pro).

Literature cited by the submitters: PubMed 22101457.

NM_000444.6(PHEX):c.2065G>C (p.Ala689Pro)

Genes: PHEX (phosphate regulating endopeptidase X-linked; plus strand), PTCHD1-AS (PTCHD1 and PHEX antisense RNA; minus strand). Cytogenetic location: Xp22.11.
Variant type: single nucleotide variant.
Coding change: c.2065G>C on transcript NM_000444.6 (MANE Select); coding-DNA position 2065, G replaced by C.
Protein change: p.Ala689Pro; replaces alanine 689 with proline.
Molecular consequence: missense variant. On other transcripts: non-coding transcript variant (1).
Genome position (GRCh38, 1-based): chrX:22,227,606, G>C. VCF-style: chrX-22227606-G-C. GRCh37 (hg19) VCF-style: chrX-22245723-G-C.
Other names: c.2065G>C, p.Ala689Pro (NM_001282754.2); short protein forms A689P.
Identifiers: ClinVar variation 1018406 (VCV001018406.8), dbSNP rs1935553204, ClinGen allele CA412574501.